The following is an entry in ClinVar:

NM_015272.5(RPGRIP1L):c.3439G>T (p.Glu1147Ter)

Gene: RPGRIP1L (RPGRIP1 like; minus strand). Cytogenetic location: 16q12.2.
Variant type: single nucleotide variant.
Coding change: c.3439G>T on transcript NM_015272.5 (MANE Select); coding-DNA position 3439, G replaced by T.
Protein change: p.Glu1147Ter; replaces glutamic acid 1147 with a stop codon.
Molecular consequence: nonsense.
Genome position (GRCh38, 1-based): chr16:53,619,202, C>A on the plus strand (G>T on the coding strand, the complement: RPGRIP1L is on the minus strand). VCF-style: chr16-53619202-C-A. GRCh37 (hg19) VCF-style: chr16-53653114-C-A.
Other names: c.3439G>T (NM_015272.4); c.3199G>T, p.Glu1067Ter (NM_001127897.4); c.3301G>T, p.Glu1101Ter (NM_001308334.3); c.3337G>T, p.Glu1113Ter (NM_001330538.2); short protein forms E1067*, E1101*, E1147*, E1113*.
Identifiers: ClinVar variation 2924913 (VCV002924913.4), dbSNP rs752266252, ClinGen allele CA8057284.

ClinVar aggregate classification (germline): Pathogenic. Review status: criteria provided, multiple submitters, no conflicts (2 of 4 stars). 2 submissions from 2 submitters: Pathogenic (2). Last evaluated 2026-01-13.

Conditions:
RPGRIP1L-related disorder. Also called: RPGRIP1L-related condition; RPGRIP1L-related disorders. Identifiers: MedGen CN239416.
Meckel-Gruber syndrome. Also called: Dysencephalia splachnocystica; DYSENCEPHALIA SPLANCHNOCYSTICA; GRUBER SYNDROME. Identifiers: Orphanet 564, MedGen C0265215, MONDO:0018921.
Joubert syndrome. Also called: Familial aplasia of the vermis; JOUBERT-BOLTSHAUSER SYNDROME. Identifiers: Orphanet 475, MedGen C5979921, MONDO:0018772.

Allele frequency attached by ClinVar (database versions not stated): gnomAD exomes below 0.00001; ExAC 0.00001; gnomAD 0.00001.
gnomAD v4.1: 3 of 1,612,984 alleles (0.00019%); highest among the groups gnomAD compares: African/African-American, 0.004%; no homozygotes.

Submissions (2):

Labcorp Genetics (formerly Invitae), Labcorp
Classification: Pathogenic for Joubert syndrome; Meckel-Gruber syndrome. Last evaluated: 2026-01-13. Review status: criteria provided, single submitter. Criteria: Invitae Variant Classification Sherloc (09022015). Collection method: clinical testing. Allele origin: germline.
Comment: This sequence change creates a premature translational stop signal (p.Glu1147*) in the RPGRIP1L gene. It is expected to result in an absent or disrupted protein product. Loss-of-function variants in RPGRIP1L are known to be pathogenic (PMID: 17558409). This variant is present in population databases (rs752266252, gnomAD 0.004%). This variant has not been reported in the literature in individuals affected with RPGRIP1L-related conditions. ClinVar contains an entry for this variant (Variation ID: 2924913). For these reasons, this variant has been classified as Pathogenic.

PreventionGenetics, part of Exact Sciences
Classification: Pathogenic for RPGRIP1L-related condition. Last evaluated: 2025-04-16. Review status: criteria provided, single submitter. Criteria: ACMG Guidelines, 2015. Collection method: clinical testing. Allele origin: germline.
Comment: The RPGRIP1L c.3439G>T variant is predicted to result in premature protein termination (p.Glu1147*). This variant was reported in an individual with Joubert syndrome/Meckel syndrome (Hanany et al. 2020. PubMed ID: 31964843). It causes a premature truncation which is expected to result in a loss of protein function. Loss-of-function variants in RPGRIP1L have been shown to be pathogenic (Delous et al. 2007. PubMed ID: 17558409). This variant is reported in 0.0080% of alleles in individuals of African descent in gnomAD. This variant is interpreted as pathogenic.

Literature cited by the submitters: PubMed 17558409 (cited by Labcorp Genetics (formerly Invitae), Labcorp).